The following is an entry in ClinVar:

NM_004370.6(COL12A1):c.7269G>T (p.Lys2423Asn)

Genes: COL12A1 (collagen type XII alpha 1 chain; minus strand), LOC126859712 (MED14-independent group 3 enhancer GRCh37_chr6:75828643-75829842; plus strand). Cytogenetic location: 6q13.
Variant type: single nucleotide variant.
Coding change: c.7269G>T on transcript NM_004370.6 (MANE Select); coding-DNA position 7269, G replaced by T.
Protein change: p.Lys2423Asn; replaces lysine 2423 with asparagine.
Molecular consequence: missense variant.
Genome position (GRCh38, 1-based): chr6:75,119,128, C>A on the plus strand (G>T on the coding strand, the complement: COL12A1 is on the minus strand). VCF-style: chr6-75119128-C-A. GRCh37 (hg19) VCF-style: chr6-75828844-C-A.
Other names: c.7269G>T, p.Lys2423Asn (NM_001424113.1); c.7248G>T, p.Lys2416Asn (NM_001424114.1); c.6996G>T, p.Lys2332Asn (NM_001424115.1); c.3777G>T, p.Lys1259Asn (NM_001424116.1, NM_080645.3); short protein forms K1259N, K2332N, K2416N, K2423N.
Identifiers: ClinVar variation 3749312 (VCV003749312.2).

ClinVar aggregate classification (germline): Uncertain significance (1 of 4 stars; one submission).

Conditions:
Ullrich congenital muscular dystrophy 2 (UCMD2). Identifiers: Orphanet 75840, MedGen C4225314, MONDO:0014654, OMIM 616470.
Bethlem myopathy 2 (BTHLM2). Identifiers: Orphanet 536516, Orphanet 610, MedGen C4225313, MONDO:0034022, OMIM 616471.

Submission:

Labcorp Genetics (formerly Invitae), Labcorp
Classification: Uncertain significance for Bethlem myopathy 2; Ullrich congenital muscular dystrophy 2. Last evaluated: 2025-10-16. Review status: criteria provided, single submitter. Criteria: Invitae Variant Classification Sherloc (09022015). Collection method: clinical testing. Allele origin: germline.
Comment: This sequence change replaces lysine, which is basic and polar, with asparagine, which is neutral and polar, at codon 2423 of the COL12A1 protein (p.Lys2423Asn). This variant is not present in population databases (gnomAD no frequency). This variant has not been reported in the literature in individuals affected with COL12A1-related conditions. ClinVar contains an entry for this variant (Variation ID: 3749312). Invitae Evidence Modeling of protein sequence and biophysical properties (such as structural, functional, and spatial information, amino acid conservation, physicochemical variation, residue mobility, and thermodynamic stability) indicates that this missense variant is not expected to disrupt COL12A1 protein function with a negative predictive value of 80%. In summary, the available evidence is currently insufficient to determine the role of this variant in disease. Therefore, it has been classified as a Variant of Uncertain Significance.